The following is an entry in ClinVar:

NM_000222.3(KIT):c.355C>T (p.Leu119Phe)

Gene: KIT (KIT proto-oncogene, receptor tyrosine kinase; plus strand). Cytogenetic location: 4q12.
Variant type: single nucleotide variant.
Coding change: c.355C>T on transcript NM_000222.3 (MANE Select); coding-DNA position 355, C replaced by T.
Protein change: p.Leu119Phe; replaces leucine 119 with phenylalanine.
Molecular consequence: missense variant.
Genome position (GRCh38, 1-based): chr4:54,698,301, C>T. VCF-style: chr4-54698301-C-T. GRCh37 (hg19) VCF-style: chr4-55564467-C-T.
Other names: c.355C>T, p.Leu119Phe (NM_001093772.2, NM_001385284.1, NM_001385285.1 and 4 more transcripts); short protein forms L119F.
Identifiers: ClinVar variation 2587868 (VCV002587868.2), dbSNP rs1553887690, ClinGen allele CA356897410.

ClinVar aggregate classification (germline): Uncertain significance (1 of 4 stars; one submission).

Conditions:
Hereditary cancer-predisposing syndrome. Also called: Tumor predisposition; Hereditary Cancer Syndrome; Hereditary neoplastic syndrome; Neoplastic Syndromes, Hereditary. Identifiers: Orphanet 140162, MedGen C0027672, MeSH D009386, MONDO:0015356.

Submission:

Ambry Genetics
Classification: Uncertain significance for Hereditary cancer-predisposing syndrome. Last evaluated: 2023-08-25. Review status: criteria provided, single submitter. Criteria: Ambry Variant Classification Scheme 2023. Collection method: clinical testing. Allele origin: germline.
Comment: The p.L119F variant (also known as c.355C>T), located in coding exon 3 of the KIT gene, results from a C to T substitution at nucleotide position 355. The leucine at codon 119 is replaced by phenylalanine, an amino acid with highly similar properties. This amino acid position is conserved. In addition, this alteration is predicted to be tolerated by in silico analysis. Since supporting evidence is limited at this time, the clinical significance of this alteration remains unclear.